The following is an entry in ClinVar:

ClinVar aggregate classification (germline): Uncertain significance (1 of 4 stars; one submission).

Conditions:
FAM111B-related disorder. Also called: FAM111B-related condition.

Allele frequency attached by ClinVar (database versions not stated): gnomAD exomes 0.00001.

Submission:

PreventionGenetics, part of Exact Sciences
Classification: Uncertain significance for FAM111B-related condition. Last evaluated: 2022-09-14. Review status: criteria provided, single submitter. Criteria: ACMG Guidelines, 2015. Collection method: clinical testing. Allele origin: germline.
Comment: The FAM111B c.1462T>G variant is predicted to result in the amino acid substitution p.Cys488Gly. To our knowledge, this variant has not been reported in the literature or in a large population database, indicating this variant is rare. At this time, the clinical significance of this variant is uncertain due to the absence of conclusive functional and genetic evidence.

NM_198947.4(FAM111B):c.1462T>G (p.Cys488Gly)

Gene: FAM111B (FAM111 trypsin like peptidase B; plus strand). Cytogenetic location: 11q12.1.
Variant type: single nucleotide variant.
Coding change: c.1462T>G on transcript NM_198947.4 (MANE Select); coding-DNA position 1462, T replaced by G.
Protein change: p.Cys488Gly; replaces cysteine 488 with glycine.
Molecular consequence: missense variant.
Genome position (GRCh38, 1-based): chr11:59,125,559, T>G. VCF-style: chr11-59125559-T-G. GRCh37 (hg19) VCF-style: chr11-58893032-T-G.
Other names: c.1372T>G, p.Cys458Gly (NM_001142703.2, NM_001142704.2); short protein forms C458G, C488G.
Identifiers: ClinVar variation 2636435 (VCV002636435.1), dbSNP rs569506642, ClinGen allele CA223156188.
Genomic context (GRCh38, chr11:59,125,559, plus strand): 5'-AATAATGGAAACACAGGTAATGCTACTTGCTTTGTCTTCAATGGTGGTTATATTTTCACC[T>G]GTCGACATGTTGTACATCTTATGGTGGGTAAAAACACACATCCAAGTTTGTGGCCAGATA-3'
Protein context (NP_945185.1, residues 478-498): FVFNGGYIFT[Cys488Gly]RHVVHLMVGK